The following is an entry in ClinVar:

NM_003072.5(SMARCA4):c.4447G>A (p.Glu1483Lys)

Gene: SMARCA4 (SWI/SNF related BAF chromatin remodeling complex subunit ATPase 4; plus strand). Cytogenetic location: 19p13.2.
Variant type: single nucleotide variant.
Coding change: c.4447G>A on transcript NM_003072.5 (MANE Select); coding-DNA position 4447, G replaced by A.
Protein change: p.Glu1483Lys; replaces glutamic acid 1483 with lysine.
Molecular consequence: missense variant. On other transcripts: non-coding transcript variant (1).
Genome position (GRCh38, 1-based): chr19:11,058,277, G>A. VCF-style: chr19-11058277-G-A. GRCh37 (hg19) VCF-style: chr19-11168953-G-A.
Other names: c.4447G>A, p.Glu1483Lys (NM_001128844.3); c.4357G>A, p.Glu1453Lys (NM_001128845.2); c.4354G>A, p.Glu1452Lys (NM_001128846.2); c.4348G>A, p.Glu1450Lys (NM_001128847.4, NM_001374457.1); c.4345G>A, p.Glu1449Lys (NM_001128848.2); c.4543G>A, p.Glu1515Lys (NM_001128849.3); short protein forms E1449K, E1450K, E1452K, E1453K, E1483K, E1515K.
Identifiers: ClinVar variation 1005759 (VCV001005759.10), dbSNP rs1303255317, ClinGen allele CA404077333.
Genomic context (GRCh38, chr19:11,058,277, plus strand): 5'-CGGACTCGGGGGTGATAGCCGCCGGTTCTGCCTTGCAGCAGCAGTGGACGTCAGCTCAGC[G>A]AGGTCTTCATCCAGCTGCCCTCGCGAAAGGAGCTGCCCGAGTACTACGAGCTCATCCGCA-3'
Protein context (NP_003063.2, residues 1473-1493): KDSSSGRQLS[Glu1483Lys]VFIQLPSRKE

ClinVar aggregate classification (germline): Uncertain significance. Review status: criteria provided, multiple submitters, no conflicts (2 of 4 stars). 2 submissions from 2 submitters: Uncertain significance (2). Last evaluated 2025-02-05.

Conditions:
Hereditary cancer-predisposing syndrome. Also called: Hereditary neoplastic syndrome; Neoplastic Syndromes, Hereditary; Tumor predisposition; Hereditary Cancer Syndrome. Identifiers: Orphanet 140162, MedGen C0027672, MeSH D009386, MONDO:0015356.
Rhabdoid tumor predisposition syndrome 2 (RTPS2). Identifiers: Orphanet 231108, Orphanet 69077, MedGen C2750074, MONDO:0013224, OMIM 613325.

Allele frequency attached by ClinVar (database versions not stated): gnomAD exomes below 0.00001; gnomAD 0.00001.
gnomAD v4.1: 4 of 1,612,952 alleles (0.00025%); highest among the groups gnomAD compares: Non-Finnish European, 0.00034%; no homozygotes.

Submissions (2):

Labcorp Genetics (formerly Invitae), Labcorp
Classification: Uncertain significance for Rhabdoid tumor predisposition syndrome 2. Last evaluated: 2025-02-05. Review status: criteria provided, single submitter. Criteria: Invitae Variant Classification Sherloc (09022015). Collection method: clinical testing. Allele origin: germline.
Comment: This sequence change replaces glutamic acid, which is acidic and polar, with lysine, which is basic and polar, at codon 1515 of the SMARCA4 protein (p.Glu1515Lys). This variant is present in population databases (no rsID available, gnomAD 0.0009%). This missense change has been observed in individual(s) with clinical features of Coffin-Siris syndrome (PMID: 28990276). ClinVar contains an entry for this variant (Variation ID: 1005759). Invitae Evidence Modeling of protein sequence and biophysical properties (such as structural, functional, and spatial information, amino acid conservation, physicochemical variation, residue mobility, and thermodynamic stability) has been performed for this missense variant. However, the output from this modeling did not meet the statistical confidence thresholds required to predict the impact of this variant on SMARCA4 protein function. In summary, the available evidence is currently insufficient to determine the role of this variant in disease. Therefore, it has been classified as a Variant of Uncertain Significance.

Ambry Genetics
Classification: Uncertain significance for Hereditary cancer-predisposing syndrome. Last evaluated: 2023-08-14. Review status: criteria provided, single submitter. Criteria: Ambry Variant Classification Scheme 2023. Collection method: clinical testing. Allele origin: germline.
Comment: The p.E1515K variant (also known as c.4543G>A), located in coding exon 31 of the SMARCA4 gene, results from a G to A substitution at nucleotide position 4543. The glutamic acid at codon 1515 is replaced by lysine, an amino acid with similar properties. This variant was detected by whole exome sequencing in an individual with some features of Coffin-Siris syndrome (Zhao JJ et al. Am J Med Genet B Neuropsychiatr Genet, 2018 Jan;177:10-20). This amino acid position is well conserved in available vertebrate species. In addition, the in silico prediction for this alteration is inconclusive. Missense and in-frame variants in SMARCA4 are known to cause neurodevelopmental disorders; however, such associations with rhabdoid tumor predisposition syndrome including small cell carcinoma of the ovary-hypercalcemic type (SCCOHT) are exceedingly rare (Kosho T et al. Am J Med Genet C Semin Med Genet. 2014 Sep;166C(3):262-75; Jelinic P et al. Nat Genet. 2014 May;46(5):424-6). Based on the supporting evidence, the association of this alteration with Coffin-Siris syndrome is unknown; however, the association of this alteration with rhabdoid tumor predisposition syndrome is unlikely.

Literature cited by the submitters: PubMed 28990276 (cited by Labcorp Genetics (formerly Invitae), Labcorp and Ambry Genetics).